The following is an entry in ClinVar:

NM_000138.5(FBN1):c.-36_5del (p.Met1fs)

Gene: FBN1 (fibrillin 1; minus strand). Cytogenetic location: 15q21.1.
Variant type: Deletion.
Coding change: c.-36_5del on transcript NM_000138.5 (MANE Select); 36 bases upstream of the start codon through coding-DNA position 5, 41 bases deleted.
Protein change: p.Met1fs; shifts the reading frame from methionine 1.
Molecular consequence: frameshift variant, initiator codon variant.
Genome position (GRCh38, 1-based): chr15:48,644,765-48,644,805, 41 bases deleted; deleting any 41 consecutive bases within chr15:48,644,765-48,644,808 gives the same sequence; the c. name uses the placement nearest the transcript's 3' end. GRCh37 (hg19): chr15:48,936,965-48,937,005.
Other names: short protein forms M1fs.
Identifiers: ClinVar variation 1694745 (VCV001694745.32), dbSNP rs2140787904, ClinGen allele CA2580089591.

ClinVar aggregate classification (germline): Pathogenic (1 of 4 stars; one submission).

Submission:

CeGaT Center for Human Genetics Tuebingen
Classification: Pathogenic. Last evaluated: 2022-09-01. Review status: criteria provided, single submitter. Criteria: CeGaT Center For Human Genetics Tuebingen Variant Classification Criteria Version 2. Collection method: clinical testing. Allele origin: germline. Affected: yes. Observed: 2 variant alleles.
Comment: FBN1: PVS1, PM2